The following is an entry in ClinVar:

NM_002439.5(MSH3):c.535A>G (p.Asn179Asp)

Gene: MSH3 (mutS homolog 3; plus strand). Cytogenetic location: 5q14.1.
Variant type: single nucleotide variant.
Coding change: c.535A>G on transcript NM_002439.5 (MANE Select); coding-DNA position 535, A replaced by G.
Protein change: p.Asn179Asp; replaces asparagine 179 with aspartic acid.
Molecular consequence: missense variant.
Genome position (GRCh38, 1-based): chr5:80,665,319, A>G. VCF-style: chr5-80665319-A-G. GRCh37 (hg19) VCF-style: chr5-79961138-A-G.
Other names: c.535A>G (NM_002439.3); short protein forms N179D.
Identifiers: ClinVar variation 2038615 (VCV002038615.6), dbSNP rs2546717558, ClinGen allele CA360264329.

ClinVar aggregate classification (germline): Uncertain significance. Review status: criteria provided, multiple submitters, no conflicts (2 of 4 stars). 2 submissions from 2 submitters: Uncertain significance (2). Last evaluated 2024-04-25.

Conditions:
Hereditary cancer-predisposing syndrome. Also called: Neoplastic Syndromes, Hereditary; Hereditary Cancer Syndrome; Tumor predisposition; Hereditary neoplastic syndrome. Identifiers: Orphanet 140162, MedGen C0027672, MeSH D009386, MONDO:0015356.

Allele frequency attached by ClinVar (database versions not stated): gnomAD exomes below 0.00001.
gnomAD v4.1: 1 of 1,613,512 alleles (0.000062%); highest among the groups gnomAD compares: Non-Finnish European, 0.000085%; no homozygotes.

Submissions (2):

Labcorp Genetics (formerly Invitae), Labcorp
Classification: Uncertain significance. Last evaluated: 2024-04-25. Review status: criteria provided, single submitter. Criteria: Invitae Variant Classification Sherloc (09022015). Collection method: clinical testing. Allele origin: germline.
Comment: This sequence change replaces asparagine, which is neutral and polar, with aspartic acid, which is acidic and polar, at codon 179 of the MSH3 protein (p.Asn179Asp). This variant is not present in population databases (gnomAD no frequency). This variant has not been reported in the literature in individuals affected with MSH3-related conditions. ClinVar contains an entry for this variant (Variation ID: 2038615). An algorithm developed to predict the effect of missense changes on protein structure and function (PolyPhen-2) suggests that this variant is likely to be tolerated. In summary, the available evidence is currently insufficient to determine the role of this variant in disease. Therefore, it has been classified as a Variant of Uncertain Significance.

Ambry Genetics
Classification: Uncertain significance for Hereditary cancer-predisposing syndrome. Last evaluated: 2022-12-09. Review status: criteria provided, single submitter. Criteria: Ambry Variant Classification Scheme 2023. Collection method: clinical testing. Allele origin: germline.
Comment: The p.N179D variant (also known as c.535A>G), located in coding exon 3 of the MSH3 gene, results from an A to G substitution at nucleotide position 535. The asparagine at codon 179 is replaced by aspartic acid, an amino acid with highly similar properties. This amino acid position is conserved. In addition, this alteration is predicted to be tolerated by in silico analysis. Since supporting evidence is limited at this time, the clinical significance of this alteration remains unclear.